The following is an entry in ClinVar:

ClinVar aggregate classification (germline): Uncertain significance (1 of 4 stars; one submission).

Submission:

Labcorp Genetics (formerly Invitae), Labcorp
Classification: Uncertain significance. Last evaluated: 2022-07-29. Review status: criteria provided, single submitter. Criteria: Invitae Variant Classification Sherloc (09022015). Collection method: clinical testing. Allele origin: germline.
Comment: This variant has not been reported in the literature in individuals affected with NXN-related conditions. Algorithms developed to predict the effect of missense changes on protein structure and function are either unavailable or do not agree on the potential impact of this missense change (SIFT: "Deleterious"; PolyPhen-2: "Benign"; Align-GVGD: "Class C0"). In summary, the available evidence is currently insufficient to determine the role of this variant in disease. Therefore, it has been classified as a Variant of Uncertain Significance. This variant is not present in population databases (gnomAD no frequency). This sequence change replaces alanine, which is neutral and non-polar, with glutamic acid, which is acidic and polar, at codon 64 of the NXN protein (p.Ala64Glu).

NM_022463.5(NXN):c.191C>A (p.Ala64Glu)

Gene: NXN (nucleoredoxin; minus strand). Cytogenetic location: 17p13.3.
Variant type: single nucleotide variant.
Coding change: c.191C>A on transcript NM_022463.5 (MANE Select); coding-DNA position 191, C replaced by A.
Protein change: p.Ala64Glu; replaces alanine 64 with glutamic acid.
Molecular consequence: missense variant.
Genome position (GRCh38, 1-based): chr17:979,488, G>T on the plus strand (C>A on the coding strand, the complement: NXN is on the minus strand). VCF-style: chr17-979488-G-T. GRCh37 (hg19) VCF-style: chr17-882728-G-T.
Other names: short protein forms A64E.
Identifiers: ClinVar variation 2020258 (VCV002020258.4), dbSNP rs2544920660, ClinGen allele CA397511672.
Genomic context (GRCh38, chr17:979,488, plus strand): 5'-CGCCGCGGCTCGGGCTCCGCCGCCGCCCCGGCCCCCGCTCCCGGCCCCGGCCCGGCCGCC[G>T]CGTCCCCCCGCAGGCGCCCGTAGAAGGCGGCCAGGCTGGCGCTGAGCTGCGCGCAGGGGG-3'
Protein context (NP_071908.2, residues 54-74): AAFYGRLRGD[Ala64Glu]AAGPGPGAGA